The following is an entry in ClinVar:

NM_001457.4(FLNB):c.1748-8C>G

Gene: FLNB (filamin B; plus strand). Cytogenetic location: 3p14.3.
Variant type: single nucleotide variant.
Coding change: c.1748-8C>G on transcript NM_001457.4 (MANE Select); 8 bases into the intron before coding-DNA position 1748, C replaced by G.
Molecular consequence: intron variant.
Genome position (GRCh38, 1-based): chr3:58,106,672, C>G. VCF-style: chr3-58106672-C-G. GRCh37 (hg19) VCF-style: chr3-58092399-C-G.
Other names: c.1748-8C>G (NM_001164317.2, NM_001164318.2, NM_001164319.2).
Identifiers: ClinVar variation 1917032 (VCV001917032.7), dbSNP rs747958644, ClinGen allele CA2467920.

ClinVar aggregate classification (germline): Uncertain significance. Review status: criteria provided, multiple submitters, no conflicts (2 of 4 stars). 3 submissions from 3 submitters: Uncertain significance (3). Last evaluated 2025-07-10.

Allele frequency attached by ClinVar (database versions not stated): ExAC 0.00001; TOPMed 0.00001.
gnomAD v4.1: 2 of 1,613,746 alleles (0.00012%); highest among the groups gnomAD compares: Admixed American, 0.0017%; no homozygotes.

Submissions (3):

Labcorp Genetics (formerly Invitae), Labcorp
Classification: Uncertain significance. Last evaluated: 2025-07-10. Review status: criteria provided, single submitter. Criteria: Invitae Variant Classification Sherloc (09022015). Collection method: clinical testing. Allele origin: germline.
Comment: This sequence change falls in intron 11 of the FLNB gene. It does not directly change the encoded amino acid sequence of the FLNB protein. This variant is present in population databases (rs747958644, gnomAD 0.003%). This variant has not been reported in the literature in individuals affected with FLNB-related conditions. ClinVar contains an entry for this variant (Variation ID: 1917032). Algorithms developed to predict the effect of sequence changes on RNA splicing suggest that this variant may disrupt the consensus splice site. In summary, the available evidence is currently insufficient to determine the role of this variant in disease. Therefore, it has been classified as a Variant of Uncertain Significance.

GeneDx
Classification: Uncertain significance. Last evaluated: 2025-06-27. Review status: criteria provided, single submitter. Criteria: GeneDx Variant Classification Process June 2021. Collection method: clinical testing. Allele origin: germline. Affected: yes.
Comment: In silico analysis supports a deleterious effect on splicing; Has not been previously published as pathogenic or benign to our knowledge

ARUP Laboratories, Molecular Genetics and Genomics, ARUP Laboratories
Classification: Uncertain significance. Last evaluated: 2025-02-26. Review status: criteria provided, single submitter. Criteria: ARUP Molecular Germline Variant Investigation Process 2024. Collection method: clinical testing. Allele origin: germline.
Comment: The FLNB c.1748-8C>G variant (rs747958644), to our knowledge, is not reported in the medical literature but is reported in ClinVar (Variation ID: 1917032). This variant is only observed on one allele in the Genome Aggregation Database (v2.1.1), indicating it is not a common polymorphism. This is an intronic variant and computational analyses (Alamut Visual Plus v.1.12) predict that this variant may impact splicing by weakening the nearby canonical acceptor splice site. Due to limited information, the clinical significance of this variant is uncertain at this time.